The following is an entry in ClinVar:

NM_003051.4(SLC16A1):c.1076A>G (p.Tyr359Cys)

Gene: SLC16A1 (solute carrier family 16 member 1; minus strand). Cytogenetic location: 1p13.2.
Variant type: single nucleotide variant.
Coding change: c.1076A>G on transcript NM_003051.4 (MANE Select); coding-DNA position 1076, A replaced by G.
Protein change: p.Tyr359Cys; replaces tyrosine 359 with cysteine.
Molecular consequence: missense variant.
Genome position (GRCh38, 1-based): chr1:112,917,330, T>C on the plus strand (A>G on the coding strand, the complement: SLC16A1 is on the minus strand). VCF-style: chr1-112917330-T-C. GRCh37 (hg19) VCF-style: chr1-113459952-T-C.
Other names: c.1076A>G, p.Tyr359Cys (NM_001166496.2); short protein forms Y359C.
Identifiers: ClinVar variation 2497798 (VCV002497798.1), dbSNP rs1226416477, ClinGen allele CA341827588.

ClinVar aggregate classification (germline): Uncertain significance (1 of 4 stars; one submission).

Submission:

GeneDx
Classification: Uncertain significance. Last evaluated: 2022-10-06. Review status: criteria provided, single submitter. Criteria: GeneDx Variant Classification Process June 2021. Collection method: clinical testing. Allele origin: germline. Affected: yes.
Comment: Not observed at significant frequency in large population cohorts (gnomAD); In silico analysis supports that this missense variant has a deleterious effect on protein structure/function; Has not been previously published as pathogenic or benign to our knowledge